The following is an entry in ClinVar:

NM_000094.4(COL7A1):c.8729G>T (p.Gly2910Val)

Gene: COL7A1 (collagen type VII alpha 1 chain; minus strand). Cytogenetic location: 3p21.31.
Variant type: single nucleotide variant.
Coding change: c.8729G>T on transcript NM_000094.4 (MANE Select); coding-DNA position 8729, G replaced by T.
Protein change: p.Gly2910Val; replaces glycine 2910 with valine.
Molecular consequence: missense variant.
Genome position (GRCh38, 1-based): chr3:48,564,872, C>A on the plus strand (G>T on the coding strand, the complement: COL7A1 is on the minus strand). VCF-style: chr3-48564872-C-A. GRCh37 (hg19) VCF-style: chr3-48602305-C-A.
Other names: short protein forms G2910V.
Identifiers: ClinVar variation 1676638 (VCV001676638.5), dbSNP rs1242922135, ClinGen allele CA352633036.

ClinVar aggregate classification (germline): Conflicting classifications of pathogenicity. Review status: criteria provided, conflicting classifications (1 of 4 stars). 3 submissions from 3 submitters: Likely pathogenic (1); Uncertain significance (2). Last evaluated 2025-06-05.

Conditions:
Recessive dystrophic epidermolysis bullosa (RDEB). Also called: Hallopeau-Siemens Disease; DYSTROPHIC EPIDERMOLYSIS BULLOSA, AUTOSOMAL RECESSIVE; EPIDERMOLYSIS BULLOSA DYSTROPHICA, HALLOPEAU-SIEMENS TYPE; EPIDERMOLYSIS BULLOSA DYSTROPHICA, GENERALIZED SEVERE, AUTOSOMAL RECESSIVE; epidermolysis bullosa dystrophica, autosomal recessive; Recessive DEB (RDEB). Identifiers: Orphanet 79408, Orphanet 79409, MedGen C0079474, MONDO:0009179, OMIM 226600.

gnomAD v4.1: 5 of 1,614,078 alleles (0.00031%); highest among the groups gnomAD compares: African/African-American, 0.0067%; no homozygotes.

Submissions (3):

Women's Health and Genetics/Laboratory Corporation of America, LabCorp
Classification: Uncertain significance. Last evaluated: 2025-06-05. Review status: criteria provided, single submitter. Criteria: LabCorp Variant Classification Summary - May 2015. Collection method: clinical testing. Allele origin: germline.
Comment: Variant summary: COL7A1 c.8729G>T (p.Gly2910Val) results in a non-conservative amino acid change in the encoded protein sequence. Algorithms developed to predict the effect of missense changes on protein structure and function all suggest that this variant is likely to be disruptive. The variant was absent in 251300 control chromosomes. c.8729G>T has been observed in the presumed compound heterozygous state in at least 2 related individual(s) affected with Dystrophic Epidermolysis Bullosa, Recessive (example, Natale_2022). These data indicate that the variant may be associated with disease. To our knowledge, no experimental evidence demonstrating an impact on protein function has been reported. The following publication has been ascertained in the context of this evaluation (PMID: 35979658). ClinVar contains an entry for this variant (Variation ID: 1676638). Based on the evidence outlined above, the variant was classified as VUS-possibly pathogenic.

Labcorp Genetics (formerly Invitae), Labcorp
Classification: Uncertain significance. Last evaluated: 2023-08-14. Review status: criteria provided, single submitter. Criteria: Invitae Variant Classification Sherloc (09022015). Collection method: clinical testing. Allele origin: germline.
Comment: In summary, the available evidence is currently insufficient to determine the role of this variant in disease. Therefore, it has been classified as a Variant of Uncertain Significance. Advanced modeling of protein sequence and biophysical properties (such as structural, functional, and spatial information, amino acid conservation, physicochemical variation, residue mobility, and thermodynamic stability) has been performed at Invitae for this missense variant, however the output from this modeling did not meet the statistical confidence thresholds required to predict the impact of this variant on COL7A1 protein function. ClinVar contains an entry for this variant (Variation ID: 1676638). This missense change has been observed in individual(s) with autosomal recessive dystrophic epidermolysis bullosa (PMID: 35979658). This variant is present in population databases (no rsID available, gnomAD 0.02%). This sequence change replaces glycine, which is neutral and non-polar, with valine, which is neutral and non-polar, at codon 2910 of the COL7A1 protein (p.Gly2910Val).

Center for Research in Genodermatoses and Epidermolysis Bullosa, University of Buenos Aires
Classification: Likely pathogenic for Recessive dystrophic epidermolysis bullosa. Last evaluated: 2022-03-14. Review status: criteria provided, single submitter. Criteria: ACMG Guidelines, 2015. Collection method: clinical testing. Allele origin: germline. Affected: yes. Observed: 2 variant alleles, 2 compound heterozygotes.

Literature cited by the submitters: PubMed 35979658 (cited by 3 submitters).